The following is an entry in ClinVar:

ClinVar aggregate classification (germline): Benign/Likely benign. Review status: criteria provided, multiple submitters, no conflicts (2 of 4 stars). 5 submissions from 5 submitters: Benign (3); Likely benign (2). Last evaluated 2026-01-27.

Allele frequency attached by ClinVar (database versions not stated): TOPMed 0.00116; gnomAD 0.00121 and 0.00131; ESP Exome Variant Server 0.00161; 1000 Genomes Project 30x 0.00172; 1000 Genomes Project 0.00200.
gnomAD v4.1: 417 of 1,614,116 alleles (0.026%); highest among the groups gnomAD compares: African/African-American, 0.39%; no homozygotes.

Submissions (5):

Labcorp Genetics (formerly Invitae), Labcorp
Classification: Benign. Last evaluated: 2026-01-27. Review status: criteria provided, single submitter. Criteria: Invitae Variant Classification Sherloc (09022015). Collection method: clinical testing. Allele origin: germline.

CeGaT Center for Human Genetics Tuebingen
Classification: Likely benign. Last evaluated: 2024-09-01. Review status: criteria provided, single submitter. Criteria: CeGaT Center For Human Genetics Tuebingen Variant Classification Criteria Version 2. Collection method: clinical testing. Allele origin: germline. Affected: yes. Observed: 1 variant allele.
Comment: GNAS: BP4, BP7

Blueprint Genetics
Classification: Likely benign. Last evaluated: 2024-03-01. Review status: criteria provided, single submitter. Criteria: ACMG Guidelines, 2015. Collection method: clinical testing. Allele origin: germline.

Genetic Services Laboratory, University of Chicago
Classification: Benign. Last evaluated: 2017-06-05. Review status: criteria provided, single submitter. Criteria: ACMG Guidelines, 2015. Collection method: clinical testing. Allele origin: germline. Affected: no.

Breakthrough Genomics
Classification: Benign. Review status: criteria provided, single submitter. Criteria: ACMG Guidelines, 2015. Collection method: not provided. Allele origin: germline. Inheritance: Autosomal dominant inheritance. Affected: yes.

NM_000516.7(GNAS):c.306G>A (p.Ala102=)

Gene: GNAS (GNAS complex locus; plus strand). Cytogenetic location: 20q13.32.
Variant type: single nucleotide variant.
Coding change: c.306G>A on transcript NM_000516.7 (MANE Select); coding-DNA position 306, G replaced by A.
Protein change: p.Ala102=; no amino-acid change (alanine 102 retained).
Molecular consequence: synonymous variant. On other transcripts: 3 prime UTR variant (2).
Genome position (GRCh38, 1-based): chr20:58,903,579, G>A. VCF-style: chr20-58903579-G-A. GRCh37 (hg19) VCF-style: chr20-57478634-G-A.
Other names: c.309G>A, p.Ala103= (NM_001077488.5); c.261G>A, p.Ala87= (NM_001077489.4); c.*167G>A (NM_001077490.3); c.129G>A, p.Ala43= (NM_001309840.2, NM_001309861.2); c.*212G>A (NM_016592.5); c.2235G>A, p.Ala745= (NM_080425.4); c.264G>A, p.Ala88= (NM_080426.4).
Identifiers: ClinVar variation 435342 (VCV000435342.30), dbSNP rs117849691, ClinGen allele CA9927027.